The following is an entry in ClinVar:

ClinVar aggregate classification (germline): Uncertain significance (1 of 4 stars; one submission).

Conditions:
Emery-Dreifuss muscular dystrophy (EDMD). Also called: Scapuloperoneal syndrome, X-linked (formerly); Humeroperoneal neuromuscular disease, (formerly). Identifiers: Orphanet 261, MedGen C0410189, MONDO:0016830.

Submission:

Labcorp Genetics (formerly Invitae), Labcorp
Classification: Uncertain significance for Emery-Dreifuss muscular dystrophy. Last evaluated: 2022-07-12. Review status: criteria provided, single submitter. Criteria: Invitae Variant Classification Sherloc (09022015). Collection method: clinical testing. Allele origin: germline.
Comment: The frequency data for this variant in the population databases is considered unreliable, as metrics indicate poor data quality at this position in the gnomAD database. In summary, the available evidence is currently insufficient to determine the role of this variant in disease. Therefore, it has been classified as a Variant of Uncertain Significance. Algorithms developed to predict the effect of sequence changes on RNA splicing suggest that this variant may disrupt the consensus splice site. ClinVar contains an entry for this variant (Variation ID: 1487189). This variant has not been reported in the literature in individuals affected with SUN1-related conditions. This sequence change creates a premature translational stop signal (p.Ser26Ilefs*58) in the SUN1 gene. It is expected to result in an absent or disrupted protein product. However, the current clinical and genetic evidence is not sufficient to establish whether loss-of-function variants in SUN1 cause disease.

NM_001130965.3(SUN1):c.77+1del

Genes: SUN1 (Sad1 and UNC84 domain containing 1; plus strand), LOC126859921 (P300/CBP strongly-dependent group 1 enhancer GRCh37_chr7:871666-872865; plus strand). Cytogenetic location: 7p22.3.
Variant type: Deletion.
Coding change: c.77+1del on transcript NM_001130965.3 (MANE Select); the canonical splice donor site of the intron after coding-DNA position 77, one base deleted (G; older notation c.77+1delG).
Molecular consequence: splice donor variant. On other transcripts: intron variant (30).
Genome position (GRCh38, 1-based): chr7:832,602, G deleted; the last of 2 consecutive G bases (chr7:832,601-832,602); deleting either gives the same sequence. VCF-style (leftmost placement, unchanged base first): chr7-832600-AG-A. GRCh37 (hg19) VCF-style: chr7-872237-AG-A.
Other names: c.77+1del (NM_001171946.2, NM_001367634.1, NM_001367669.1 and 35 more transcripts); c.297-6196del (NM_001367651.1); c.-381+1del (NM_001367635.1); c.-73-6196del (NM_001367666.1, NM_001367655.1, NM_001367691.1 and 24 more transcripts); c.-684-6196del (NM_001367658.1); c.-301-9344del (NM_001367639.1); c.140+1del (NM_001171945.2).
Identifiers: ClinVar variation 1487189 (VCV001487189.6), dbSNP rs1272210110, ClinGen allele CA572075419.